The following is an entry in ClinVar:

NM_001430.5(EPAS1):c.1366G>A (p.Ala456Thr)

Gene: EPAS1 (endothelial PAS domain protein 1; plus strand). Cytogenetic location: 2p21.
Variant type: single nucleotide variant.
Coding change: c.1366G>A on transcript NM_001430.5 (MANE Select); coding-DNA position 1366, G replaced by A.
Protein change: p.Ala456Thr; replaces alanine 456 with threonine.
Molecular consequence: missense variant.
Genome position (GRCh38, 1-based): chr2:46,378,010, G>A. VCF-style: chr2-46378010-G-A. GRCh37 (hg19) VCF-style: chr2-46605149-G-A.
Other names: short protein forms A456T.
Identifiers: ClinVar variation 3221541 (VCV003221541.1), dbSNP rs1171377232, ClinGen allele CA346703931.

ClinVar aggregate classification (germline): Uncertain significance (1 of 4 stars; one submission).

Conditions:
Inborn genetic diseases. Identifiers: MedGen C0950123, MeSH D030342.

Allele frequency attached by ClinVar (database versions not stated): gnomAD exomes below 0.00001; TOPMed below 0.00001.
gnomAD v4.1: 1 of 1,598,864 alleles (0.000063%); highest among the groups gnomAD compares: Admixed American, 0.0017%; no homozygotes.

Submission:

Ambry Genetics
Classification: Uncertain significance for Inborn genetic diseases. Last evaluated: 2024-03-03. Review status: criteria provided, single submitter. Criteria: Ambry Variant Classification Scheme 2023. Collection method: clinical testing. Allele origin: germline.
Comment: The p.A456T variant (also known as c.1366G>A), located in coding exon 10 of the EPAS1 gene, results from a G to A substitution at nucleotide position 1366. The alanine at codon 456 is replaced by threonine, an amino acid with similar properties. This amino acid position is conserved. In addition, this alteration is predicted to be tolerated by in silico analysis. Based on the available evidence, the clinical significance of this alteration remains unclear.